The following is an entry in ClinVar:

ClinVar aggregate classification (germline): Likely pathogenic (1 of 4 stars; one submission).

Allele frequency attached by ClinVar (database versions not stated): ExAC 0.00001; TOPMed 0.00001; gnomAD exomes 0.00004.
gnomAD v4.1: 52 of 1,591,412 alleles (0.0033%); highest among the groups gnomAD compares: Non-Finnish European, 0.0043%; no homozygotes.

Submission:

Labcorp Genetics (formerly Invitae), Labcorp
Classification: Likely pathogenic. Last evaluated: 2025-10-14. Review status: criteria provided, single submitter. Criteria: Invitae Variant Classification Sherloc (09022015). Collection method: clinical testing. Allele origin: germline.
Comment: This sequence change affects an acceptor splice site in intron 10 of the PYROXD1 gene. It is expected to disrupt RNA splicing. Variants that disrupt the donor or acceptor splice site typically lead to a loss of protein function (PMID: 16199547), and loss-of-function variants in PYROXD1 are known to be pathogenic (PMID: 27745833). This variant is present in population databases (rs768153615, gnomAD 0.004%). This variant has not been reported in the literature in individuals affected with PYROXD1-related conditions. ClinVar contains an entry for this variant (Variation ID: 1946629). Algorithms developed to predict the effect of sequence changes on RNA splicing suggest that this variant may disrupt the consensus splice site. In summary, the currently available evidence indicates that the variant is pathogenic, but additional data are needed to prove that conclusively. Therefore, this variant has been classified as Likely Pathogenic.

Literature cited by the submitters: PubMed 16199547; PubMed 27745833.

NM_024854.5(PYROXD1):c.1117-2A>G

Gene: PYROXD1 (pyridine nucleotide-disulphide oxidoreductase domain 1; plus strand). Cytogenetic location: 12p12.1.
Variant type: single nucleotide variant.
Coding change: c.1117-2A>G on transcript NM_024854.5 (MANE Select); the canonical splice acceptor site of the intron before coding-DNA position 1117, A replaced by G.
Molecular consequence: splice acceptor variant.
Genome position (GRCh38, 1-based): chr12:21,467,479, A>G. VCF-style: chr12-21467479-A-G. GRCh37 (hg19) VCF-style: chr12-21620413-A-G.
Other names: c.340-2A>G (NM_001350913.2); c.904-2A>G (NM_001350912.2).
Identifiers: ClinVar variation 1946629 (VCV001946629.5), dbSNP rs768153615, ClinGen allele CA6478470.